The following is an entry in ClinVar:

NM_001348800.3(ZBTB20):c.1755G>T (p.Lys585Asn)

Gene: ZBTB20 (zinc finger and BTB domain containing 20; minus strand). Cytogenetic location: 3q13.31.
Variant type: single nucleotide variant.
Coding change: c.1755G>T on transcript NM_001348800.3 (MANE Select); coding-DNA position 1755, G replaced by T.
Protein change: p.Lys585Asn; replaces lysine 585 with asparagine.
Molecular consequence: missense variant.
Genome position (GRCh38, 1-based): chr3:114,350,323, C>A on the plus strand (G>T on the coding strand, the complement: ZBTB20 is on the minus strand). VCF-style: chr3-114350323-C-A. GRCh37 (hg19) VCF-style: chr3-114069170-C-A.
Other names: c.1755G>T, p.Lys585Asn (NM_001164342.2, NM_001348803.3, NM_001393393.1 and 1 more transcripts); c.1536G>T, p.Lys512Asn (NM_001164343.2, NM_001164344.4, NM_001164345.4 and 9 more transcripts); short protein forms K512N, K585N.
Identifiers: ClinVar variation 2762203 (VCV002762203.3), dbSNP rs2550499315, ClinGen allele CA354006052.

ClinVar aggregate classification (germline): Uncertain significance (1 of 4 stars; one submission).

Submission:

Labcorp Genetics (formerly Invitae), Labcorp
Classification: Uncertain significance. Last evaluated: 2023-09-20. Review status: criteria provided, single submitter. Criteria: Invitae Variant Classification Sherloc (09022015). Collection method: clinical testing. Allele origin: germline.
Comment: In summary, the available evidence is currently insufficient to determine the role of this variant in disease. Therefore, it has been classified as a Variant of Uncertain Significance. Advanced modeling of protein sequence and biophysical properties (such as structural, functional, and spatial information, amino acid conservation, physicochemical variation, residue mobility, and thermodynamic stability) has been performed at Invitae for this missense variant, however the output from this modeling did not meet the statistical confidence thresholds required to predict the impact of this variant on ZBTB20 protein function. This variant has not been reported in the literature in individuals affected with ZBTB20-related conditions. This variant is not present in population databases (gnomAD no frequency). This sequence change replaces lysine, which is basic and polar, with asparagine, which is neutral and polar, at codon 585 of the ZBTB20 protein (p.Lys585Asn).